The following is an entry in ClinVar:

NM_001042646.3(TRAK1):c.1022A>G (p.His341Arg)

Gene: TRAK1 (trafficking kinesin protein 1; plus strand). Cytogenetic location: 3p22.1.
Variant type: single nucleotide variant.
Coding change: c.1022A>G on transcript NM_001042646.3 (MANE Select); coding-DNA position 1022, A replaced by G.
Protein change: p.His341Arg; replaces histidine 341 with arginine.
Molecular consequence: missense variant. On other transcripts: non-coding transcript variant (1).
Genome position (GRCh38, 1-based): chr3:42,194,850, A>G. VCF-style: chr3-42194850-A-G. GRCh37 (hg19) VCF-style: chr3-42236342-A-G.
Other names: c.800A>G, p.His267Arg (NM_001265610.1, NM_001349248.1, NM_001349249.1 and 1 more transcripts); c.710A>G, p.His237Arg (NM_001349245.1); c.1022A>G, p.His341Arg (NM_001349246.2, NM_001349247.2, NM_001265608.2); c.848A>G, p.His283Arg (NM_001410741.1, NM_014965.5); short protein forms H237R, H267R, H283R, H341R.
Identifiers: ClinVar variation 3460764 (VCV003460764.3).

ClinVar aggregate classification (germline): Uncertain significance. Review status: criteria provided, multiple submitters, no conflicts (2 of 4 stars). 2 submissions from 2 submitters: Uncertain significance (2). Last evaluated 2024-09-26.

Conditions:
Inborn genetic diseases. Identifiers: MedGen C0950123, MeSH D030342.

gnomAD v4.1: 7 of 1,613,974 alleles (0.00043%); highest among the groups gnomAD compares: Admixed American, 0.012%; no homozygotes.

Submissions (2):

Ambry Genetics
Classification: Uncertain significance for Inborn genetic diseases. Last evaluated: 2024-09-26. Review status: criteria provided, single submitter. Criteria: Ambry Variant Classification Scheme 2023. Collection method: clinical testing. Allele origin: germline.

Labcorp Genetics (formerly Invitae), Labcorp
Classification: Uncertain significance. Last evaluated: 2024-04-29. Review status: criteria provided, single submitter. Criteria: Invitae Variant Classification Sherloc (09022015). Collection method: clinical testing. Allele origin: germline.
Comment: This sequence change replaces histidine, which is basic and polar, with arginine, which is basic and polar, at codon 341 of the TRAK1 protein (p.His341Arg). This variant is present in population databases (rs532911279, gnomAD 0.006%). This variant has not been reported in the literature in individuals affected with TRAK1-related conditions. An algorithm developed to predict the effect of missense changes on protein structure and function (PolyPhen-2) suggests that this variant is likely to be disruptive. In summary, the available evidence is currently insufficient to determine the role of this variant in disease. Therefore, it has been classified as a Variant of Uncertain Significance.